The following is an entry in ClinVar:

ClinVar aggregate classification (germline): Uncertain significance. Review status: criteria provided, multiple submitters, no conflicts (2 of 4 stars). 2 submissions from 2 submitters: Uncertain significance (2). Last evaluated 2025-12-15.

Conditions:
Charlevoix-Saguenay spastic ataxia (SACS). Also called: AUTOSOMAL RECESSIVE SPASTIC ATAXIA OF CHARLEVOIX-SAGUENAY; Spastic ataxia of Charlevoix-Saguenay; SPASTIC ATAXIA 6, AUTOSOMAL RECESSIVE. Identifiers: Orphanet 98, MedGen C1849140, MONDO:0010041, OMIM 270550.

Submissions (2):

3billion
Classification: Uncertain significance for Charlevoix-Saguenay spastic ataxia. Last evaluated: 2025-12-15. Review status: criteria provided, single submitter. Criteria: ACMG Guidelines, 2015. Collection method: clinical testing. Allele origin: germline. Affected: yes.
Comment: The variant is not observed in the gnomAD v4.1.0 dataset. Predicted Consequence/Location: Missense variant. The majority of the known disease-causing variants of this gene are variants expected to result in premature termination of the protein. In silico tool predictions suggest damaging effect of the variant on gene or gene product [REVEL: 0.67 (>=0.6, sensitivity 0.68 and specificity 0.92)]. The variant has been reported as of uncertain significance (ClinVar ID: VCV000546725). Therefore, this variant is classified as VUS according to the recommendation of ACMG/AMP guideline.

Blueprint Genetics
Classification: Uncertain significance. Last evaluated: 2024-09-20. Review status: criteria provided, single submitter. Criteria: ACMG Guidelines, 2015. Collection method: clinical testing. Allele origin: germline.

NM_014363.6(SACS):c.3700T>C (p.Trp1234Arg)

Gene: SACS (sacsin molecular chaperone; minus strand). Cytogenetic location: 13q12.12.
Variant type: single nucleotide variant.
Coding change: c.3700T>C on transcript NM_014363.6 (MANE Select); coding-DNA position 3700, T replaced by C.
Protein change: p.Trp1234Arg; replaces tryptophan 1234 with arginine.
Molecular consequence: missense variant.
Genome position (GRCh38, 1-based): chr13:23,340,176, A>G on the plus strand (T>C on the coding strand, the complement: SACS is on the minus strand). VCF-style: chr13-23340176-A-G. GRCh37 (hg19) VCF-style: chr13-23914315-A-G.
Other names: c.3259T>C, p.Trp1087Arg (NM_001278055.2); c.3727T>C, p.Trp1243Arg (NM_001437336.1); short protein forms W1087R, W1234R, W1243R.
Identifiers: ClinVar variation 4854377 (VCV004854377.2).